The following is an entry in ClinVar:

NM_000334.4(SCN4A):c.3539A>T (p.Asn1180Ile)

Genes: GH-LCR (growth hormone locus control region; plus strand), SCN4A (sodium voltage-gated channel alpha subunit 4; minus strand). Cytogenetic location: 17q23.3.
Variant type: single nucleotide variant.
Coding change: c.3539A>T on transcript NM_000334.4 (MANE Select); coding-DNA position 3539, A replaced by T.
Protein change: p.Asn1180Ile; replaces asparagine 1180 with isoleucine.
Molecular consequence: missense variant.
Genome position (GRCh38, 1-based): chr17:63,945,541, T>A on the plus strand (A>T on the coding strand, the complement: SCN4A is on the minus strand). VCF-style: chr17-63945541-T-A. GRCh37 (hg19) VCF-style: chr17-62022901-T-A.
Other names: short protein forms N1180I.
Identifiers: ClinVar variation 1061047 (VCV001061047.7), dbSNP rs1908688683, ClinGen allele CA400618183.

ClinVar aggregate classification (germline): Conflicting classifications of pathogenicity. Review status: criteria provided, conflicting classifications (1 of 4 stars). 2 submissions from 2 submitters: Likely pathogenic (1); Uncertain significance (1). Last evaluated 2022-11-17.

Conditions:
Hyperkalemic periodic paralysis. Also called: Familial hyperkalemic periodic paralysis; Gamstorp disease. Identifiers: Orphanet 682, MedGen C0238357, MONDO:0008224, OMIM 170500, HP:0007215.

Submissions (2):

Illumina Laboratory Services, Illumina
Classification: Likely pathogenic. Last evaluated: 2022-11-17. Review status: criteria provided, single submitter. Criteria: ICSL CNVClassificationCriteria Aug2020. Collection method: clinical testing. Allele origin: unknown. Affected: yes.
Comment: The SCN4A c.3539A>T (p.Asn1180Ile) missense variant results in the substitution of asparagine at amino acid position 1180 with isoleucine. This variant has been reported in a heterozygous state in four individuals from two families with myotonia (PMID: 25735906; PMID: 34378097). The c.3539A>T variant segregated with disease in the two unrelated families and was not present in unaffected individuals. This variant was absent from 200 healthy controls (PMID: 25735906) and is not found in version 2.1.1 or version 3.1.2 of the Genome Aggregation Database. The Asn1180 residue is highly conserved among species and is in the pore forming transmembrane segment S5 of domain III (PMID: 34378097). In silico tools predict the c.3539A>T variant to be deleterious. The variant was identified in a de novo state. Based on the available evidence, the c.3539A>T (p.Asn1180Ile) variant is classified as likely pathogenic for SCN4A-related channelopathies.

Labcorp Genetics (formerly Invitae), Labcorp
Classification: Uncertain significance for Hyperkalemic periodic paralysis. Last evaluated: 2021-09-01. Review status: criteria provided, single submitter. Criteria: Invitae Variant Classification Sherloc (09022015). Collection method: clinical testing. Allele origin: germline.

Literature cited by the submitters: PubMed 25735906 (cited by Illumina Laboratory Services, Illumina); PubMed 34378097 (cited by Illumina Laboratory Services, Illumina).